The following is an entry in ClinVar:

ClinVar aggregate classification (germline): Uncertain significance. Review status: criteria provided, multiple submitters, no conflicts (2 of 4 stars). 2 submissions from 2 submitters: Uncertain significance (2). Last evaluated 2024-09-03.

Conditions:
Hereditary cancer-predisposing syndrome. Also called: Hereditary Cancer Syndrome; Hereditary neoplastic syndrome; Neoplastic Syndromes, Hereditary; Tumor predisposition. Identifiers: Orphanet 140162, MedGen C0027672, MeSH D009386, MONDO:0015356.

Submissions (2):

Color Diagnostics, LLC DBA Color Health
Classification: Uncertain significance for Hereditary cancer-predisposing syndrome. Last evaluated: 2024-09-03. Review status: criteria provided, single submitter. Criteria: ACMG Guidelines, 2015. Collection method: clinical testing. Allele origin: germline.
Comment: This missense variant replaces lysine with arginine at codon 1883 of the APC protein. Computational prediction suggests that this variant may not impact protein structure and function (internally defined REVEL score threshold <= 0.5, PMID: 27666373). To our knowledge, functional studies have not been reported for this variant. This variant has not been reported in individuals affected with APC-related disorders in the literature. This variant has not been identified in the general population by the Genome Aggregation Database (gnomAD). The available evidence is insufficient to determine the role of this variant in disease conclusively. Therefore, this variant is classified as a Variant of Uncertain Significance.

Ambry Genetics
Classification: Uncertain significance for Hereditary cancer-predisposing syndrome. Last evaluated: 2015-12-20. Review status: criteria provided, single submitter. Criteria: Ambry Variant Classification Scheme 2023. Collection method: clinical testing. Allele origin: germline.
Comment: The p.K1883R variant (also known as c.5648A>G), located in coding exon 15 of the APC gene, results from an A to G substitution at nucleotide position 5648. The lysine at codon 1883 is replaced by arginine, an amino acid with highly similar properties. This variant was not reported in population based cohorts in the following databases: Database of Single Nucleotide Polymorphisms (dbSNP), NHLBI Exome Sequencing Project (ESP), and 1000 Genomes Project. In the ESP, this variant was not observed in 6502 samples (13004 alleles) with coverage at this position. To date, this alteration has been detected with an allele frequency of approximately 0.001% (greater than 70000 alleles tested) in our clinical cohort. This amino acid position is well conserved in available vertebrate species. In addition, in silico predictors for this gene do not accurately predict pathogenicity. Since supporting evidence is limited at this time, the clinical significance of p.K1883R remains unclear.

NM_000038.6(APC):c.5648A>G (p.Lys1883Arg)

Gene: APC (APC regulator of Wnt signaling pathway; plus strand). Cytogenetic location: 5q22.2.
Variant type: single nucleotide variant.
Coding change: c.5648A>G on transcript NM_000038.6 (MANE Select); coding-DNA position 5648, A replaced by G.
Protein change: p.Lys1883Arg; replaces lysine 1883 with arginine.
Molecular consequence: missense variant.
Genome position (GRCh38, 1-based): chr5:112,841,242, A>G. VCF-style: chr5-112841242-A-G. GRCh37 (hg19) VCF-style: chr5-112176939-A-G.
Other names: c.5648A>G, p.Lys1883Arg (NM_001127510.3, NM_001354895.2, NM_001407450.1); c.5594A>G, p.Lys1865Arg (NM_001127511.3); c.5702A>G, p.Lys1901Arg (NM_001354896.2, NM_001407447.1, NM_001407448.1 and 1 more transcripts); c.5678A>G, p.Lys1893Arg (NM_001354897.2); c.5573A>G, p.Lys1858Arg (NM_001354898.2); c.5564A>G, p.Lys1855Arg (NM_001354899.2); c.5525A>G, p.Lys1842Arg (NM_001354900.2); c.5471A>G, p.Lys1824Arg (NM_001354901.2, NM_001407453.1); and 11 more; short protein forms K1499R, K1754R, K1757R, K1800R, K1873R, K1876R, K1911R, K1723R.
Identifiers: ClinVar variation 1748819 (VCV001748819.3), dbSNP rs2149945525, ClinGen allele CA16033695.